The following is an entry in ClinVar:

ClinVar aggregate classification (germline): Pathogenic (1 of 4 stars; one submission).

Conditions:
Familial adenomatous polyposis 1 (FAP1). Also called: FAMILIAL ADENOMATOUS POLYPOSIS 1, ATTENUATED; POLYPOSIS, ADENOMATOUS INTESTINAL. Identifiers: MedGen C2713442, MONDO:0021056, OMIM 175100. Disease mechanism: loss of function.

Submission:

Myriad Genetics, Inc.
Classification: Pathogenic for Familial adenomatous polyposis 1. Last evaluated: 2023-05-04. Review status: criteria provided, single submitter. Criteria: Myriad Autosomal Dominant, Autosomal Recessive and X-Linked Classification Criteria (2023). Collection method: clinical testing. Allele origin: unknown.
Comment: This variant is considered pathogenic. This variant creates a frameshift predicted to result in premature protein truncation.

NM_000038.6(APC):c.2333del (p.Asn778fs)

Gene: APC (APC regulator of Wnt signaling pathway; plus strand). Cytogenetic location: 5q22.2.
Variant type: Deletion.
Coding change: c.2333del on transcript NM_000038.6 (MANE Select); coding-DNA position 2333, one base deleted (A; older notation c.2333delA).
Protein change: p.Asn778fs; shifts the reading frame from asparagine 778.
Molecular consequence: frameshift variant. On other transcripts: non-coding transcript variant (2).
Genome position (GRCh38, 1-based): chr5:112,837,927, A deleted; the last of 2 consecutive A bases (chr5:112,837,926-112,837,927); deleting either gives the same sequence. VCF-style (leftmost placement, unchanged base first): chr5-112837925-CA-C. GRCh37 (hg19) VCF-style: chr5-112173622-CA-C.
Other names: c.2333del, p.Asn778fs (NM_001127510.3, NM_001354895.2, NM_001407450.1); c.2279del, p.Asn760fs (NM_001127511.3); c.2387del, p.Asn796fs (NM_001354896.2, NM_001407447.1, NM_001407448.1 and 1 more transcripts); c.2363del, p.Asn788fs (NM_001354897.2); c.2258del, p.Asn753fs (NM_001354898.2); c.2249del, p.Asn750fs (NM_001354899.2); c.2210del, p.Asn737fs (NM_001354900.2); c.2156del, p.Asn719fs (NM_001354901.2, NM_001407453.1); and 11 more; short protein forms N394fs, N495fs, N618fs, N649fs, N652fs, N677fs, N687fs, N695fs.
Identifiers: ClinVar variation 2583911 (VCV002583911.2), dbSNP rs2533412810, ClinGen allele CA658760716.